The following is an entry in ClinVar:

ClinVar aggregate classification (germline): Uncertain significance (1 of 4 stars; one submission).

Allele frequency attached by ClinVar (database versions not stated): gnomAD exomes below 0.00001.
gnomAD v4.1: 2 of 1,613,800 alleles (0.00012%); highest among the groups gnomAD compares: Non-Finnish European, 0.000085%; no homozygotes.

Submission:

Labcorp Genetics (formerly Invitae), Labcorp
Classification: Uncertain significance. Last evaluated: 2022-07-01. Review status: criteria provided, single submitter. Criteria: Invitae Variant Classification Sherloc (09022015). Collection method: clinical testing. Allele origin: germline.
Comment: In summary, the available evidence is currently insufficient to determine the role of this variant in disease. Therefore, it has been classified as a Variant of Uncertain Significance. Advanced modeling of protein sequence and biophysical properties (such as structural, functional, and spatial information, amino acid conservation, physicochemical variation, residue mobility, and thermodynamic stability) performed at Invitae indicates that this missense variant is not expected to disrupt CSF1R protein function. This variant has not been reported in the literature in individuals affected with CSF1R-related conditions. This variant is not present in population databases (gnomAD no frequency). This sequence change replaces threonine, which is neutral and polar, with isoleucine, which is neutral and non-polar, at codon 152 of the CSF1R protein (p.Thr152Ile).

NM_001288705.3(CSF1R):c.455C>T (p.Thr152Ile)

Gene: CSF1R (colony stimulating factor 1 receptor; minus strand). Cytogenetic location: 5q32.
Variant type: single nucleotide variant.
Coding change: c.455C>T on transcript NM_001288705.3 (MANE Select); coding-DNA position 455, C replaced by T.
Protein change: p.Thr152Ile; replaces threonine 152 with isoleucine.
Molecular consequence: missense variant. On other transcripts: non-coding transcript variant (2).
Genome position (GRCh38, 1-based): chr5:150,080,189, G>A on the plus strand (C>T on the coding strand, the complement: CSF1R is on the minus strand). VCF-style: chr5-150080189-G-A. GRCh37 (hg19) VCF-style: chr5-149459752-G-A.
Other names: c.455C>T, p.Thr152Ile (NM_001349736.2, NM_001375320.1, NM_005211.4); c.11C>T, p.Thr4Ile (NM_001375321.1); short protein forms T4I, T152I.
Identifiers: ClinVar variation 2109647 (VCV002109647.4), dbSNP rs2481045915, ClinGen allele CA361733756.